The following is an entry in ClinVar:

NM_001349798.2(FBXW7):c.336T>G (p.Asp112Glu)

Gene: FBXW7 (F-box and WD repeat domain containing 7; minus strand). Cytogenetic location: 4q31.3.
Variant type: single nucleotide variant.
Coding change: c.336T>G on transcript NM_001349798.2 (MANE Select); coding-DNA position 336, T replaced by G.
Protein change: p.Asp112Glu; replaces aspartic acid 112 with glutamic acid.
Molecular consequence: missense variant.
Genome position (GRCh38, 1-based): chr4:152,411,468, A>C on the plus strand (T>G on the coding strand, the complement: FBXW7 is on the minus strand). VCF-style: chr4-152411468-A-C. GRCh37 (hg19) VCF-style: chr4-153332620-A-C.
Other names: c.336T>G, p.Asp112Glu (NM_001257069.1, NM_033632.3); short protein forms D112E.
Identifiers: ClinVar variation 3668515 (VCV003668515.2).

ClinVar aggregate classification (germline): Uncertain significance (1 of 4 stars; one submission).

gnomAD v4.1: 15 of 1,612,942 alleles (0.00093%); highest among the groups gnomAD compares: Admixed American, 0.01%; no homozygotes.

Submission:

Labcorp Genetics (formerly Invitae), Labcorp
Classification: Uncertain significance. Last evaluated: 2025-07-30. Review status: criteria provided, single submitter. Criteria: Invitae Variant Classification Sherloc (09022015). Collection method: clinical testing. Allele origin: germline.
Comment: This sequence change replaces aspartic acid, which is acidic and polar, with glutamic acid, which is acidic and polar, at codon 112 of the FBXW7 protein (p.Asp112Glu). The frequency data for this variant in the population databases is considered unreliable, as metrics indicate poor data quality at this position in the gnomAD database. This variant has not been reported in the literature in individuals affected with FBXW7-related conditions. ClinVar contains an entry for this variant (Variation ID: 3668515). An algorithm developed to predict the effect of missense changes on protein structure and function outputs the following: PolyPhen-2: "Not Available". The glutamic acid amino acid residue is found in multiple mammalian species, which suggests that this missense change does not adversely affect protein function. In summary, the available evidence is currently insufficient to determine the role of this variant in disease. Therefore, it has been classified as a Variant of Uncertain Significance.